The following is an entry in ClinVar:

ClinVar aggregate classification (germline): Uncertain significance (1 of 4 stars; one submission).

Conditions:
Hereditary cancer-predisposing syndrome. Also called: Neoplastic Syndromes, Hereditary; Tumor predisposition; Hereditary neoplastic syndrome; Hereditary Cancer Syndrome. Identifiers: Orphanet 140162, MedGen C0027672, MeSH D009386, MONDO:0015356.

Submission:

Ambry Genetics
Classification: Uncertain significance for Hereditary cancer-predisposing syndrome. Last evaluated: 2023-11-28. Review status: criteria provided, single submitter. Criteria: Ambry Variant Classification Scheme 2023. Collection method: clinical testing. Allele origin: germline.
Comment: The p.V627L variant (also known as c.1879G>T), located in coding exon 17 of the POLE gene, results from a G to T substitution at nucleotide position 1879. The valine at codon 627 is replaced by leucine, an amino acid with highly similar properties. This amino acid position is conserved. In addition, this alteration is predicted to be deleterious by in silico analysis. Since supporting evidence is limited at this time, the clinical significance of this alteration remains unclear.

NM_006231.4(POLE):c.1879G>T (p.Val627Leu)

Gene: POLE (DNA polymerase epsilon, catalytic subunit; minus strand). Cytogenetic location: 12q24.33.
Variant type: single nucleotide variant.
Coding change: c.1879G>T on transcript NM_006231.4 (MANE Select); coding-DNA position 1879, G replaced by T.
Protein change: p.Val627Leu; replaces valine 627 with leucine.
Molecular consequence: missense variant.
Genome position (GRCh38, 1-based): chr12:132,668,855, C>A on the plus strand (G>T on the coding strand, the complement: POLE is on the minus strand). VCF-style: chr12-132668855-C-A. GRCh37 (hg19) VCF-style: chr12-133245441-C-A.
Other names: short protein forms V627L.
Identifiers: ClinVar variation 3225404 (VCV003225404.1), dbSNP rs747929590, ClinGen allele CA387355361.